The following is an entry in ClinVar:

NM_002474.3(MYH11):c.2925G>T (p.Thr975=)

Gene: MYH11 (myosin heavy chain 11; minus strand). Cytogenetic location: 16p13.11.
Variant type: single nucleotide variant.
Coding change: c.2925G>T on transcript NM_002474.3 (MANE Select); coding-DNA position 2925, G replaced by T.
Protein change: p.Thr975=; no amino-acid change (threonine 975 retained).
Molecular consequence: synonymous variant.
Genome position (GRCh38, 1-based): chr16:15,740,123, C>A on the plus strand (G>T on the coding strand, the complement: MYH11 is on the minus strand). VCF-style: chr16-15740123-C-A. GRCh37 (hg19) VCF-style: chr16-15833980-C-A.
Other names: c.2946G>T, p.Thr982= (NM_001040113.2, NM_001040114.2); c.2925G>T, p.Thr975= (NM_022844.3).
Identifiers: ClinVar variation 927331 (VCV000927331.13), dbSNP rs566872637, ClinGen allele CA7922144.

ClinVar aggregate classification (germline): Likely benign. Review status: criteria provided, multiple submitters, no conflicts (2 of 4 stars). 4 submissions from 4 submitters: Likely benign (4). Last evaluated 2025-10-14.

Conditions:
Aortic aneurysm, familial thoracic 4 (AAT4). Also called: AORTIC ANEURYSM/AORTIC DISSECTION AND PATENT DUCTUS ARTERIOSUS. Identifiers: MedGen C1851504, MONDO:0007568, OMIM 132900.
Familial thoracic aortic aneurysm and aortic dissection (TAAD). Also called: Thoracic aortic aneurysms and dissections. Identifiers: Orphanet 91387, MedGen C4707243, MONDO:0019625.

Allele frequency attached by ClinVar (database versions not stated): gnomAD 0.00001; 1000 Genomes Project 30x 0.00016; 1000 Genomes Project 0.00020.
gnomAD v4.1: 15 of 1,614,214 alleles (0.00093%); highest among the groups gnomAD compares: East Asian, 0.0089%; no homozygotes.

Submissions (4):

Labcorp Genetics (formerly Invitae), Labcorp
Classification: Likely benign for Aortic aneurysm, familial thoracic 4. Last evaluated: 2025-10-14. Review status: criteria provided, single submitter. Criteria: Invitae Variant Classification Sherloc (09022015). Collection method: clinical testing. Allele origin: germline.

All of Us Research Program, National Institutes of Health
Classification: Likely benign for Familial thoracic aortic aneurysm and aortic dissection. Last evaluated: 2024-02-05. Review status: criteria provided, single submitter. Criteria: ACMG Guidelines, 2015. Collection method: clinical testing. Allele origin: germline. Inheritance: Autosomal dominant inheritance. Observed: 2 variant alleles, 2 heterozygotes.
Comment: This study involves interpretation of variants in research participants for the purpose of population health screening. Participant phenotype was not available at the time of variant classification. Additional details can be found in publication PMID: 35346344, PMCID: PMC8962531

Ambry Genetics
Classification: Likely benign for Familial thoracic aortic aneurysm and aortic dissection. Last evaluated: 2019-07-31. Review status: criteria provided, single submitter. Criteria: Ambry Variant Classification Scheme 2023. Collection method: clinical testing. Allele origin: germline.

Color Diagnostics, LLC DBA Color Health
Classification: Likely benign for Familial thoracic aortic aneurysm and aortic dissection. Last evaluated: 2019-02-28. Review status: criteria provided, single submitter. Criteria: ACMG Guidelines, 2015. Collection method: clinical testing. Allele origin: germline.